The following is an entry in ClinVar:

NM_001365276.2(TNXB):c.6108C>T (p.His2036=)

Gene: TNXB (tenascin XB; minus strand). Cytogenetic location: 6p21.33.
Variant type: single nucleotide variant.
Coding change: c.6108C>T on transcript NM_001365276.2 (MANE Select); coding-DNA position 6108, C replaced by T.
Protein change: p.His2036=; no amino-acid change (histidine 2036 retained).
Molecular consequence: synonymous variant.
Genome position (GRCh38, 1-based): chr6:32,068,502, G>A on the plus strand (C>T on the coding strand, the complement: TNXB is on the minus strand). VCF-style: chr6-32068502-G-A. GRCh37 (hg19) VCF-style: chr6-32036279-G-A.
Other names: c.6849C>T, p.His2283= (NM_001428335.1); c.6108C>T, p.His2036= (NM_019105.8).
Identifiers: ClinVar variation 3809321 (VCV003809321.3).

ClinVar aggregate classification (germline): Likely benign. Review status: criteria provided, multiple submitters, no conflicts (2 of 4 stars). 3 submissions from 3 submitters: Likely benign (3). Last evaluated 2025-11-24.

Conditions:
Cardiovascular phenotype. Identifiers: MedGen CN230736.
TNXB-related disorder. Also called: TNXB-related condition.

gnomAD v4.1: 13 of 1,613,876 alleles (0.00081%); highest among the groups gnomAD compares: East Asian, 0.0022%; no homozygotes.

Submissions (3):

Women's Health and Genetics/Laboratory Corporation of America, LabCorp
Classification: Likely benign. Last evaluated: 2025-11-24. Review status: criteria provided, single submitter. Criteria: LabCorp Variant Classification Summary - May 2015. Collection method: clinical testing. Allele origin: germline.

PreventionGenetics, part of Exact Sciences
Classification: Likely benign for TNXB-related condition. Last evaluated: 2025-03-18. Review status: criteria provided, single submitter. Criteria: ACMG Guidelines, 2015. Collection method: clinical testing. Allele origin: germline.
Comment: This variant is classified as likely benign based on ACMG/AMP sequence variant interpretation guidelines (Richards et al. 2015 PMID: 25741868, with internal and published modifications).

Ambry Genetics
Classification: Likely benign for Cardiovascular phenotype. Last evaluated: 2024-12-29. Review status: criteria provided, single submitter. Criteria: Ambry Variant Classification Scheme 2023. Collection method: clinical testing. Allele origin: germline.